The following is an entry in ClinVar:

ClinVar aggregate classification (germline): Uncertain significance. Review status: criteria provided, multiple submitters, no conflicts (2 of 4 stars). 4 submissions from 4 submitters: Uncertain significance (4). Last evaluated 2026-06-02.

Conditions:
PKHD1-related disorder. Also called: PKHD1-related condition.
Polycystic kidney disease 4 (PKD4). Also called: POLYCYSTIC KIDNEY DISEASE 4 WITH OR WITHOUT POLYCYSTIC LIVER DISEASE; Autosomal Recessive Polycystic Kidney Disease – PKHD1; PKD3; POLYCYSTIC KIDNEY AND HEPATIC DISEASE 1; POLYCYSTIC KIDNEY DISEASE, INFANTILE, TYPE I. Identifiers: MedGen C4540575, MONDO:0033004, OMIM 263200.
Inborn genetic diseases. Identifiers: MedGen C0950123, MeSH D030342.

Allele frequency attached by ClinVar (database versions not stated): TOPMed 0.00002.
gnomAD v4.1: 2 of 1,613,964 alleles (0.00012%); highest among the groups gnomAD compares: Non-Finnish European, 0.00017%; no homozygotes.

Submissions (4):

PreventionGenetics, part of Exact Sciences
Classification: Uncertain significance for PKHD1-related condition. Last evaluated: 2026-06-02. Review status: criteria provided, single submitter. Criteria: ACMG Guidelines, 2015. Collection method: clinical testing. Allele origin: germline.
Comment: The PKHD1 c.3043C>G variant is predicted to result in the amino acid substitution p.Leu1015Val. To our knowledge, this variant has not been reported in the literature or in a large population database (gnomAD), indicating this variant is rare. At this time, the clinical significance of this variant is uncertain due to the absence of conclusive functional and genetic evidence.

Ambry Genetics
Classification: Uncertain significance for Inborn genetic diseases. Last evaluated: 2025-05-01. Review status: criteria provided, single submitter. Criteria: Ambry Variant Classification Scheme 2023. Collection method: clinical testing. Allele origin: germline.

Fulgent Genetics
Classification: Uncertain significance for Polycystic kidney disease 4. Last evaluated: 2024-04-15. Review status: criteria provided, single submitter. Criteria: ACMG Guidelines, 2015. Collection method: clinical testing. Allele origin: germline.

Eurofins Ntd Llc (ga)
Classification: Uncertain significance. Last evaluated: 2017-07-19. Review status: criteria provided, single submitter. Criteria: EGL Classification Definitions 2015. Collection method: clinical testing. Allele origin: germline. Observed: 1 variant allele, 1 heterozygote.

NM_138694.4(PKHD1):c.3043C>G (p.Leu1015Val)

Gene: PKHD1 (PKHD1 ciliary IPT domain containing fibrocystin/polyductin; minus strand). Cytogenetic location: 6p12.2.
Variant type: single nucleotide variant.
Coding change: c.3043C>G on transcript NM_138694.4 (MANE Select); coding-DNA position 3043, C replaced by G.
Protein change: p.Leu1015Val; replaces leucine 1015 with valine.
Molecular consequence: missense variant.
Genome position (GRCh38, 1-based): chr6:52,042,913, G>C on the plus strand (C>G on the coding strand, the complement: PKHD1 is on the minus strand). VCF-style: chr6-52042913-G-C. GRCh37 (hg19) VCF-style: chr6-51907711-G-C.
Other names: c.3043C>G, p.Leu1015Val (NM_170724.3); c.3043C>G (NM_138694.3); short protein forms L1015V.
Identifiers: ClinVar variation 593286 (VCV000593286.8), dbSNP rs1272367929, ClinGen allele CA364442017.